The following is an entry in ClinVar:

ClinVar aggregate classification (germline): Conflicting classifications of pathogenicity. Review status: criteria provided, conflicting classifications (1 of 4 stars). 6 submissions from 6 submitters: Uncertain significance (4); Benign (1); Likely benign (1). Last evaluated 2026-03-25.

Conditions:
Collagen 6-related myopathy. Identifiers: MedGen CN117976, MONDO:0100225.
Bethlem myopathy 1A. Also called: Bethlem Muscular Dystrophy; MYOPATHY, BENIGN CONGENITAL, WITH CONTRACTURES; Bethlem myopathy 1. Identifiers: Orphanet 610, MedGen CN029274, MONDO:0024530, OMIM 158810.

Allele frequency attached by ClinVar (database versions not stated): gnomAD 0.00038; TOPMed 0.00047; ESP Exome Variant Server 0.00054; 1000 Genomes Project 0.00100; 1000 Genomes Project 30x 0.00109.
gnomAD v4.1: 204 of 1,611,648 alleles (0.013%); highest among the groups gnomAD compares: African/African-American, 0.23%; 1 homozygote.

Submissions (6):

Women's Health and Genetics/Laboratory Corporation of America, LabCorp
Classification: Uncertain significance. Last evaluated: 2026-03-25. Review status: criteria provided, single submitter. Criteria: LabCorp Variant Classification Summary - May 2015. Collection method: clinical testing. Allele origin: germline.
Comment: Variant summary: COL6A1 c.2857G>A (p.Ala953Thr) results in a non-conservative amino acid change in the encoded protein sequence. Algorithms developed to predict the effect of missense changes on protein structure and function are either unavailable or do not agree on the potential impact of this missense change. The variant allele was found at a frequency of 0.00017 in 246844 control chromosomes. This frequency is not significantly higher than estimated for disease-causing variants in COL6A1, allowing no conclusion about variant significance. c.2857G>A has been observed in one individual affected with clinically suspected Limb girdle muscular dystrophies (Nallamilli_2018). The report does not provide unequivocal conclusions about association of the variant with Ullrich congenital muscular dystrophy 1. To our knowledge, no experimental evidence demonstrating an impact on protein function has been reported. The following publication have been ascertained in the context of this evaluation (PMID: 30564623). ClinVar contains an entry for this variant (Variation ID: 290671). Based on the evidence outlined above, the variant was classified as uncertain significance.

Labcorp Genetics (formerly Invitae), Labcorp
Classification: Likely benign for Bethlem myopathy 1A. Last evaluated: 2025-12-24. Review status: criteria provided, single submitter. Criteria: Invitae Variant Classification Sherloc (09022015). Collection method: clinical testing. Allele origin: germline.

GeneDx
Classification: Uncertain significance. Last evaluated: 2023-09-06. Review status: criteria provided, single submitter. Criteria: GeneDx Variant Classification Process June 2021. Collection method: clinical testing. Allele origin: germline. Affected: yes.
Comment: Reported as heterozygous in an individual with clinically suspected limb-girdle muscular dystrophy; however, the authors classified A953T as a variant of uncertain significance and additional clinical information was not provided (Nallamilli et al., 2018); In silico analysis supports that this missense variant does not alter protein structure/function; This variant is associated with the following publications: (PMID: 30564623)

Baylor Genetics
Classification: Uncertain significance for Bethlem myopathy 1A. Last evaluated: 2021-03-07. Review status: criteria provided, single submitter. Criteria: ACMG Guidelines, 2015. Collection method: clinical testing. Allele origin: unknown.

Eurofins Ntd Llc (ga)
Classification: Uncertain significance. Last evaluated: 2018-08-02. Review status: criteria provided, single submitter. Criteria: EGL ClinVar v180209 classification definitions. Collection method: clinical testing. Allele origin: germline. Observed: 6 variant alleles, 6 heterozygotes.

Illumina Laboratory Services, Illumina
Classification: Benign for Collagen VI-related myopathy. Last evaluated: 2018-01-13. Review status: criteria provided, single submitter. Criteria: ICSL Variant Classification Criteria 13 December 2019. Collection method: clinical testing. Allele origin: germline.
Comment: This variant was observed in the ICSL laboratory as part of a predisposition screen in an ostensibly healthy population. It had not been previously curated by ICSL or reported in the Human Gene Mutation Database (HGMD: prior to June 1st, 2018), and was therefore a candidate for classification through an automated scoring system. Utilizing variant allele frequency, disease prevalence and penetrance estimates, and inheritance mode, an automated score was calculated to assess if this variant is too frequent to cause the disease. Based on the score and internal cut-off values, a variant classified as benign is not then subjected to further curation. The score for this variant resulted in a classification of benign for this disease.

Literature cited by the submitters: PubMed 30564623 (cited by Women's Health and Genetics/Laboratory Corporation of America, LabCorp).

NM_001848.3(COL6A1):c.2857G>A (p.Ala953Thr)

Gene: COL6A1 (collagen type VI alpha 1 chain; plus strand). Cytogenetic location: 21q22.3.
Variant type: single nucleotide variant.
Coding change: c.2857G>A on transcript NM_001848.3 (MANE Select); coding-DNA position 2857, G replaced by A.
Protein change: p.Ala953Thr; replaces alanine 953 with threonine.
Molecular consequence: missense variant.
Genome position (GRCh38, 1-based): chr21:46,003,783, G>A. VCF-style: chr21-46003783-G-A. GRCh37 (hg19) VCF-style: chr21-47423697-G-A.
Other names: short protein forms A953T.
Identifiers: ClinVar variation 290671 (VCV000290671.26), dbSNP rs150378645, ClinGen allele CA10071053.
Genomic context (GRCh38, chr21:46,003,783, plus strand): 5'-GGCGCTGCCAAGAAGAGGCTGCTGCTCTTCTCAGATGGCAACTCGCAGGGCGCCACGCCC[G>A]CTGCCATCGAGAAGGCCGTGCAGGAAGCCCAGCGGGCAGGCATCGAGATCTTCGTGGTGG-3'
Protein context (NP_001839.2, residues 943-963): SDGNSQGATP[Ala953Thr]AIEKAVQEAQ